The following is an entry in ClinVar:

NM_001367624.2(ZNF469):c.3220T>C (p.Ser1074Pro)

Genes: ZNF469 (zinc finger protein 469; plus strand), LOC130059718 (ATAC-STARR-seq lymphoblastoid silent region 7847; plus strand). Cytogenetic location: 16q24.2.
Variant type: single nucleotide variant.
Coding change: c.3220T>C on transcript NM_001367624.2 (MANE Select); coding-DNA position 3220, T replaced by C.
Protein change: p.Ser1074Pro; replaces serine 1074 with proline.
Molecular consequence: missense variant.
Genome position (GRCh38, 1-based): chr16:88,430,690, T>C. VCF-style: chr16-88430690-T-C. GRCh37 (hg19) VCF-style: chr16-88497098-T-C.
Other names: short protein forms S1074P.
Identifiers: ClinVar variation 4084465 (VCV004084465.8).
Genomic context (GRCh38, chr16:88,430,690, plus strand): 5'-ATCGTGCAGCAGAAGAACAGGCGCCACCGGCGGCTGGGGCGGCGGGCGGGCAGGTGCGGC[T>C]CCCTGGCGGCGGGGAGGCCCCGGCCCGGAGCTGAGGACCGCAGGCTCCGCGAGTACGACT-3'
Protein context (NP_001354553.1, residues 1064-1084): RLGRRAGRCG[Ser1074Pro]LAAGRPRPGA

ClinVar aggregate classification (germline): Uncertain significance (1 of 4 stars; one submission).

Submission:

CeGaT Center for Human Genetics Tuebingen
Classification: Uncertain significance. Last evaluated: 2025-08-01. Review status: criteria provided, single submitter. Criteria: CeGaT Center For Human Genetics Tuebingen Variant Classification Criteria Version 2. Collection method: clinical testing. Allele origin: germline. Affected: yes. Observed: 1 variant allele.
Comment: ZNF469: PM2